The following is an entry in ClinVar:

ClinVar aggregate classification (germline): Likely benign (1 of 4 stars; one submission).

Conditions:
Porphobilinogen synthase deficiency. Also called: ALAD DEFICIENCY; DELTA-AMINOLEVULINATE DEHYDRATASE DEFICIENCY; DOSS PORPHYRIA; PORPHYRIA, ALAD; Porphyria due to ALA dehydratase deficiency. Identifiers: Orphanet 100924, MedGen C0268328, MONDO:0013000, OMIM 612740.

Allele frequency attached by ClinVar (database versions not stated): gnomAD 0.00040 and 0.00074; TOPMed 0.00080; 1000 Genomes Project 30x 0.00203; 1000 Genomes Project 0.00240.

Submission:

Illumina Laboratory Services, Illumina
Classification: Likely benign for Porphobilinogen synthase deficiency. Last evaluated: 2018-01-13. Review status: criteria provided, single submitter. Criteria: ICSL Variant Classification Criteria 13 December 2019. Collection method: clinical testing. Allele origin: germline.
Comment: This variant was observed in the ICSL laboratory as part of a predisposition screen in an ostensibly healthy population. It had not been previously curated by ICSL or reported in the Human Gene Mutation Database (HGMD: prior to June 1st, 2018), and was therefore a candidate for classification through an automated scoring system. Utilizing variant allele frequency, disease prevalence and penetrance estimates, and inheritance mode, an automated score was calculated to assess if this variant is too frequent to cause the disease. Based on the score and internal cut-off values, a variant classified as likely benign is not then subjected to further curation. The score for this variant resulted in a classification of likely benign for this disease.

NM_000031.6(ALAD):c.*1473G>A

Gene: ALAD (aminolevulinate dehydratase; minus strand). Cytogenetic location: 9q32.
Variant type: single nucleotide variant.
Coding change: c.*1473G>A on transcript NM_000031.6 (MANE Select); 1473 bases downstream of the stop codon, G replaced by A.
Molecular consequence: 3 prime UTR variant.
Genome position (GRCh38, 1-based): chr9:113,386,827, C>T on the plus strand (G>A on the coding strand, the complement: ALAD is on the minus strand). VCF-style: chr9-113386827-C-T. GRCh37 (hg19) VCF-style: chr9-116149107-C-T.
Other names: c.*1473G>A (NM_001003945.3, NM_001317745.2).
Identifiers: ClinVar variation 914514 (VCV000914514.4), dbSNP rs1062685, ClinGen allele CA198542013.